The following is an entry in ClinVar:

ClinVar aggregate classification (germline): Uncertain significance (1 of 4 stars; one submission).

Submission:

GeneDx
Classification: Uncertain significance. Last evaluated: 2017-07-19. Review status: criteria provided, single submitter. Criteria: GeneDx Variant Classification (06012015). Collection method: clinical testing. Allele origin: germline. Affected: yes.
Comment: A variant of uncertain significance has been identified in the NSD1 gene. The I1495S variant has not been published as a pathogenic variant, nor has it been reported as a benign variant to our knowledge. The I1495S variant is not observed in large population cohorts (Lek et al., 2016; 1000 Genomes Consortium et al., 2015; Exome Variant Server). The I1495S variant is a non-conservative amino acid substitution, which is likely to impact secondary protein structure as these residues differ in polarity, charge, size and/or other properties. However, this substitution occurs at a position that is not conserved. In silico analysis is inconsistent in its predictions as to whether or not the variant is damaging to the protein structure/function. Therefore, based on the currently available information, it is unclear whether this variant is a pathogenic variant or a rare benign variant.

NM_022455.5(NSD1):c.4484T>G (p.Ile1495Ser)

Gene: NSD1 (nuclear receptor binding SET domain protein 1; plus strand). Cytogenetic location: 5q35.3.
Variant type: single nucleotide variant.
Coding change: c.4484T>G on transcript NM_022455.5 (MANE Select); coding-DNA position 4484, T replaced by G.
Protein change: p.Ile1495Ser; replaces isoleucine 1495 with serine.
Molecular consequence: missense variant.
Genome position (GRCh38, 1-based): chr5:177,246,783, T>G. VCF-style: chr5-177246783-T-G. GRCh37 (hg19) VCF-style: chr5-176673784-T-G.
Other names: c.3611T>G, p.Ile1204Ser (NM_001365684.2, NM_001409306.1, NM_001409307.1 and 3 more transcripts); c.4484T>G, p.Ile1495Ser (NM_001409301.1, NM_001409302.1, NM_001409303.1); c.4064T>G, p.Ile1355Ser (NM_001409304.1); c.3731T>G, p.Ile1244Ser (NM_001409305.1); short protein forms I1495S, I1226S, I1355S, I1204S, I1244S.
Identifiers: ClinVar variation 450650 (VCV000450650.2), dbSNP rs1554197510, ClinGen allele CA362349114.
Genomic context (GRCh38, chr5:177,246,783, plus strand): 5'-GGCATGCTGCAGCCAAGATGCAGTGTAAAAAAGTGAAAAATGATGACTCGTCAAAAGAGA[T>G]TCCAGGCTCAGAGGTATTACTCAGTTCCTGATCTTTTCACCTTCTAAAGAGAAGCTACTT-3'
Protein context (NP_071900.2, residues 1485-1505): KVKNDDSSKE[Ile1495Ser]PGSEGELMPH